The following is an entry in ClinVar:

NM_032119.4(ADGRV1):c.6490+5G>A

Gene: ADGRV1 (adhesion G protein-coupled receptor V1; plus strand). Cytogenetic location: 5q14.3.
Variant type: single nucleotide variant.
Coding change: c.6490+5G>A on transcript NM_032119.4 (MANE Select); 5 bases into the intron after coding-DNA position 6490, G replaced by A.
Molecular consequence: intron variant.
Genome position (GRCh38, 1-based): chr5:90,686,000, G>A. VCF-style: chr5-90686000-G-A. GRCh37 (hg19) VCF-style: chr5-89981817-G-A.
Identifiers: ClinVar variation 1942896 (VCV001942896.5), dbSNP rs1745576882, ClinGen allele CA1562856409.

ClinVar aggregate classification (germline): Uncertain significance (1 of 4 stars; one submission).

gnomAD v4.1: 2 of 1,556,850 alleles (0.00013%); highest among the groups gnomAD compares: African/African-American, 0.0013%; no homozygotes.

Submission:

Labcorp Genetics (formerly Invitae), Labcorp
Classification: Uncertain significance. Last evaluated: 2023-08-24. Review status: criteria provided, single submitter. Criteria: Invitae Variant Classification Sherloc (09022015). Collection method: clinical testing. Allele origin: germline.
Comment: This variant is not present in population databases (gnomAD no frequency). This sequence change falls in intron 29 of the ADGRV1 gene. It does not directly change the encoded amino acid sequence of the ADGRV1 protein. It affects a nucleotide within the consensus splice site. This variant has not been reported in the literature in individuals affected with ADGRV1-related conditions. In summary, the available evidence is currently insufficient to determine the role of this variant in disease. Therefore, it has been classified as a Variant of Uncertain Significance. Variants that disrupt the consensus splice site are a relatively common cause of aberrant splicing (PMID: 17576681, 9536098). Algorithms developed to predict the effect of sequence changes on RNA splicing suggest that this variant may disrupt the consensus splice site. ClinVar contains an entry for this variant (Variation ID: 1942896).

Literature cited by the submitters: PubMed 17576681; PubMed 9536098.